The following is an entry in ClinVar:

ClinVar aggregate classification (germline): Uncertain significance (1 of 4 stars; one submission).

Conditions:
Myofibrillar myopathy 6. Identifiers: Orphanet 199340, MedGen C2751831, MONDO:0013061, OMIM 612954.
Dilated cardiomyopathy 1HH (CMD1HH). Identifiers: Orphanet 154, MedGen C3151293, MONDO:0013479, OMIM 613881.

Submission:

Labcorp Genetics (formerly Invitae), Labcorp
Classification: Uncertain significance for Dilated cardiomyopathy 1HH; Myofibrillar myopathy 6. Last evaluated: 2023-12-24. Review status: criteria provided, single submitter. Criteria: Invitae Variant Classification Sherloc (09022015). Collection method: clinical testing. Allele origin: germline.
Comment: This sequence change replaces methionine, which is neutral and non-polar, with lysine, which is basic and polar, at codon 565 of the BAG3 protein (p.Met565Lys). This variant is not present in population databases (gnomAD no frequency). This variant has not been reported in the literature in individuals affected with BAG3-related conditions. Advanced modeling of protein sequence and biophysical properties (such as structural, functional, and spatial information, amino acid conservation, physicochemical variation, residue mobility, and thermodynamic stability) performed at Invitae indicates that this missense variant is not expected to disrupt BAG3 protein function with a negative predictive value of 80%. In summary, the available evidence is currently insufficient to determine the role of this variant in disease. Therefore, it has been classified as a Variant of Uncertain Significance.

NM_004281.4(BAG3):c.1694T>A (p.Met565Lys)

Gene: BAG3 (BAG cochaperone 3; plus strand). Cytogenetic location: 10q26.11.
Variant type: single nucleotide variant.
Coding change: c.1694T>A on transcript NM_004281.4 (MANE Select); coding-DNA position 1694, T replaced by A.
Protein change: p.Met565Lys; replaces methionine 565 with lysine.
Molecular consequence: missense variant.
Genome position (GRCh38, 1-based): chr10:119,677,248, T>A. VCF-style: chr10-119677248-T-A. GRCh37 (hg19) VCF-style: chr10-121436760-T-A.
Other names: short protein forms M565K.
Identifiers: ClinVar variation 2921677 (VCV002921677.3), dbSNP rs2134069585, ClinGen allele CA378297870.